The following is an entry in ClinVar:

NM_003579.4(RAD54L):c.1033G>T (p.Gly345Cys)

Gene: RAD54L (RAD54 like; plus strand). Cytogenetic location: 1p34.1.
Variant type: single nucleotide variant.
Coding change: c.1033G>T on transcript NM_003579.4 (MANE Select); coding-DNA position 1033, G replaced by T.
Protein change: p.Gly345Cys; replaces glycine 345 with cysteine.
Molecular consequence: missense variant.
Genome position (GRCh38, 1-based): chr1:46,267,600, G>T. VCF-style: chr1-46267600-G-T. GRCh37 (hg19) VCF-style: chr1-46733272-G-T.
Other names: c.1033G>T, p.Gly345Cys (NM_001142548.2); c.493G>T, p.Gly165Cys (NM_001370766.1); short protein forms G345C, G165C.
Identifiers: ClinVar variation 208693 (VCV000208693.4), dbSNP rs797044888, ClinGen allele CA204696.

ClinVar aggregate classification (germline): Likely pathogenic (1 of 4 stars; one submission).

Conditions:
Inborn genetic diseases. Identifiers: MedGen C0950123, MeSH D030342.

Submission:

Ambry Genetics
Classification: Likely pathogenic for Inborn genetic diseases. Last evaluated: 2012-11-14. Review status: criteria provided, single submitter. Criteria: Ambry Autosomal Dominant and X-Linked criteria (10/2015). Collection method: clinical testing. Allele origin: germline. Observed: 1 variant allele.
Comment: Please see table 3 in supplementary results of the main report.N/AThis variant was not reported in population-based cohorts in the following databases: Database of Single Nucleotide Polymorphisms (dbSNP), NHLBI Exome Sequencing Project (ESP) and 1000 Genomes Project. This amino acid position is completely conserved among available vertebrate species.This alteration is predicted to be probably damaging with a score of 1.000 (sensitivity: 0.00; specificity: 1.00)This alteration is predicted to be deleterious with a score of 0.000 (conservation: 3.05)